The following is an entry in ClinVar:

ClinVar aggregate classification (germline): Uncertain significance (1 of 4 stars; one submission).

Conditions:
Dilated cardiomyopathy 1G (CMD1G). Identifiers: Orphanet 154, MedGen C1858763, MONDO:0011400, OMIM 604145.
Autosomal recessive limb-girdle muscular dystrophy type 2J (LGMDR10). Also called: Limb-girdle muscular dystrophy, type 2J; MUSCULAR DYSTROPHY, LIMB-GIRDLE, AUTOSOMAL RECESSIVE 10. Identifiers: Orphanet 140922, MedGen C1837342, MONDO:0012127, OMIM 608807.

Submission:

Labcorp Genetics (formerly Invitae), Labcorp
Classification: Uncertain significance for Dilated cardiomyopathy 1G; Autosomal recessive limb-girdle muscular dystrophy type 2J. Last evaluated: 2025-07-31. Review status: criteria provided, single submitter. Criteria: Invitae Variant Classification Sherloc (09022015). Collection method: clinical testing. Allele origin: germline.
Comment: This sequence change replaces glutamic acid, which is acidic and polar, with lysine, which is basic and polar, at codon 34630 of the TTN protein (p.Glu34630Lys). This variant is not present in population databases (gnomAD no frequency). This variant has not been reported in the literature in individuals affected with TTN-related conditions. ClinVar contains an entry for this variant (Variation ID: 2951090). Experimental studies and prediction algorithms are not available or were not evaluated, and the functional significance of this variant is currently unknown. This variant is located in the M band of TTN (PMID: 25589632). Non-truncating variants in this region may be relevant for neuromuscular disorders, but have not been definitively shown to cause cardiomyopathy (PMID: 23975875). In summary, the available evidence is currently insufficient to determine the role of this variant in disease. Therefore, it has been classified as a Variant of Uncertain Significance.

Literature cited by the submitters: PubMed 25589632; PubMed 23975875.

NM_001267550.2(TTN):c.103888G>A (p.Glu34630Lys)

Genes: TTN (titin; minus strand), TTN-AS1 (TTN antisense RNA 1; plus strand). Cytogenetic location: 2q31.2.
Variant type: single nucleotide variant.
Coding change: c.103888G>A on transcript NM_001267550.2 (MANE Select); coding-DNA position 103888, G replaced by A.
Protein change: p.Glu34630Lys; replaces glutamic acid 34630 with lysine.
Molecular consequence: missense variant.
Genome position (GRCh38, 1-based): chr2:178,532,727, C>T on the plus strand (G>A on the coding strand, the complement: TTN is on the minus strand). VCF-style: chr2-178532727-C-T. GRCh37 (hg19) VCF-style: chr2-179397454-C-T.
Other names: c.98965G>A, p.Glu32989Lys (NM_001256850.1); c.76693G>A, p.Glu25565Lys (NM_003319.4); c.96184G>A, p.Glu32062Lys (NM_133378.4); c.77068G>A, p.Glu25690Lys (NM_133432.3); c.77269G>A, p.Glu25757Lys (NM_133437.4); short protein forms E34630K, E25757K, E25565K, E32062K, E25690K, E32989K.
Identifiers: ClinVar variation 2951090 (VCV002951090.3), dbSNP rs2468463165, ClinGen allele CA349412997.